The following is an entry in ClinVar:

NM_182914.3(SYNE2):c.19055C>T (p.Pro6352Leu)

Gene: SYNE2 (spectrin repeat containing nuclear envelope protein 2; plus strand). Cytogenetic location: 14q23.2.
Variant type: single nucleotide variant.
Coding change: c.19055C>T on transcript NM_182914.3 (MANE Select); coding-DNA position 19055, C replaced by T.
Protein change: p.Pro6352Leu; replaces proline 6352 with leucine.
Molecular consequence: missense variant.
Genome position (GRCh38, 1-based): chr14:64,213,004, C>T. VCF-style: chr14-64213004-C-T. GRCh37 (hg19) VCF-style: chr14-64679722-C-T.
Other names: c.19055C>T, p.Pro6352Leu (NM_015180.6); c.19055C>T (NM_182914.2); short protein forms P6352L.
Identifiers: ClinVar variation 3718558 (VCV003718558.3).

ClinVar aggregate classification (germline): Uncertain significance. Review status: criteria provided, multiple submitters, no conflicts (2 of 4 stars). 2 submissions from 2 submitters: Uncertain significance (2). Last evaluated 2025-09-28.

Conditions:
Emery-Dreifuss muscular dystrophy 5, autosomal dominant (EDMD5). Also called: EMERY-DREIFUSS MUSCULAR DYSTROPHY 5. Identifiers: Orphanet 261, MedGen C2751805, MONDO:0013072, OMIM 612999.

gnomAD v4.1: 26 of 1,613,022 alleles (0.0016%); highest among the groups gnomAD compares: African/African-American, 0.016%; no homozygotes.

Submissions (2):

Ambry Genetics
Classification: Uncertain significance. Last evaluated: 2025-09-28. Review status: criteria provided, single submitter. Criteria: Ambry Variant Classification Scheme 2023. Collection method: clinical testing. Allele origin: germline.

Labcorp Genetics (formerly Invitae), Labcorp
Classification: Uncertain significance for Emery-Dreifuss muscular dystrophy 5, autosomal dominant. Last evaluated: 2024-10-01. Review status: criteria provided, single submitter. Criteria: Invitae Variant Classification Sherloc (09022015). Collection method: clinical testing. Allele origin: germline.
Comment: This sequence change replaces proline, which is neutral and non-polar, with leucine, which is neutral and non-polar, at codon 6352 of the SYNE2 protein (p.Pro6352Leu). This variant is present in population databases (rs551160654, gnomAD 0.02%). This variant has not been reported in the literature in individuals affected with SYNE2-related conditions. An algorithm developed to predict the effect of missense changes on protein structure and function (PolyPhen-2) suggests that this variant is likely to be disruptive. In summary, the available evidence is currently insufficient to determine the role of this variant in disease. Therefore, it has been classified as a Variant of Uncertain Significance.